The following is an entry in ClinVar:

NM_001401501.2(MUC16):c.37778T>C (p.Phe12593Ser)

Gene: MUC16 (mucin 16, cell surface associated; minus strand). Cytogenetic location: 19p13.2.
Variant type: single nucleotide variant.
Coding change: c.37778T>C on transcript NM_001401501.2 (MANE Select); coding-DNA position 37778, T replaced by C.
Protein change: p.Phe12593Ser; replaces phenylalanine 12593 with serine.
Molecular consequence: missense variant.
Genome position (GRCh38, 1-based): chr19:8,908,619, A>G on the plus strand (T>C on the coding strand, the complement: MUC16 is on the minus strand). VCF-style: chr19-8908619-A-G. GRCh37 (hg19) VCF-style: chr19-9019295-A-G.
Other names: c.38204T>C, p.Phe12735Ser (NM_001414686.1); c.37658T>C, p.Phe12553Ser (NM_001414687.1); c.37592T>C, p.Phe12531Ser (NM_024690.2); short protein forms F12531S, F12553S, F12593S, F12735S.
Identifiers: ClinVar variation 3041190 (VCV003041190.2), dbSNP rs377069963, ClinGen allele CA9165058.

ClinVar aggregate classification (germline): Benign (0 of 4 stars; one submission).

Conditions:
MUC16-related disorder. Also called: MUC16-related condition.

Allele frequency attached by ClinVar (database versions not stated): gnomAD exomes below 0.00001; ExAC 0.00001; ESP Exome Variant Server 0.00008.

Submission:

PreventionGenetics, part of Exact Sciences
Classification: Benign for MUC16-related condition. Last evaluated: 2019-02-28. Review status: no assertion criteria provided. Collection method: clinical testing. Allele origin: germline.
Comment: This variant is classified as benign based on ACMG/AMP sequence variant interpretation guidelines (Richards et al. 2015 PMID: 25741868, with internal and published modifications).